The following is an entry in ClinVar:

ClinVar aggregate classification (germline): Uncertain significance (1 of 4 stars; one submission).

Submission:

Labcorp Genetics (formerly Invitae), Labcorp
Classification: Uncertain significance. Last evaluated: 2022-02-28. Review status: criteria provided, single submitter. Criteria: Invitae Variant Classification Sherloc (09022015). Collection method: clinical testing. Allele origin: germline.
Comment: In summary, the available evidence is currently insufficient to determine the role of this variant in disease. Therefore, it has been classified as a Variant of Uncertain Significance. Experimental studies and prediction algorithms are not available or were not evaluated, and the functional significance of this variant is currently unknown. This variant has not been reported in the literature in individuals affected with NEDD4L-related conditions. This variant is a gross deletion of the genomic region encompassing exon(s) 2-5 of the NEDD4L gene. This variant would be expected to be in-frame, preserving the integrity of the reading frame.

NC_000018.9:g.(?_55833000)_(55919306_?)dup

Gene: NEDD4L (NEDD4 like E3 ubiquitin protein ligase; plus strand). Cytogenetic location: 18q21.31.
Variant type: Duplication.
Identifiers: ClinVar variation 2426124 (VCV002426124.4).